The following is an entry in ClinVar:

NM_004974.4(KCNA2):c.1381A>T (p.Ile461Phe)

Gene: KCNA2 (potassium voltage-gated channel subfamily A member 2; minus strand). Cytogenetic location: 1p13.3.
Variant type: single nucleotide variant.
Coding change: c.1381A>T on transcript NM_004974.4 (MANE Select); coding-DNA position 1381, A replaced by T.
Protein change: p.Ile461Phe; replaces isoleucine 461 with phenylalanine.
Molecular consequence: missense variant. On other transcripts: intron variant (1).
Genome position (GRCh38, 1-based): chr1:110,603,402, T>A on the plus strand (A>T on the coding strand, the complement: KCNA2 is on the minus strand). VCF-style: chr1-110603402-T-A. GRCh37 (hg19) VCF-style: chr1-111146024-T-A.
Other names: c.894+487A>T (NM_001204269.2); short protein forms I461F.
Identifiers: ClinVar variation 4281804 (VCV004281804.1).

ClinVar aggregate classification (germline): Uncertain significance (1 of 4 stars; one submission).

Submission:

GeneDx
Classification: Uncertain significance. Last evaluated: 2025-04-15. Review status: criteria provided, single submitter. Criteria: GeneDx Variant Classification Process June 2021. Collection method: clinical testing. Allele origin: germline. Affected: yes.
Comment: Not observed at significant frequency in large population cohorts (gnomAD); In silico analysis indicates that this missense variant does not alter protein structure/function; Has not been previously published as pathogenic or benign to our knowledge